The following is an entry in ClinVar:

NM_006186.4(NR4A2):c.1629T>C (p.Asn543=)

Gene: NR4A2 (nuclear receptor subfamily 4 group A member 2; minus strand). Cytogenetic location: 2q24.1.
Variant type: single nucleotide variant.
Coding change: c.1629T>C on transcript NM_006186.4 (MANE Select); coding-DNA position 1629, T replaced by C.
Protein change: p.Asn543=; no amino-acid change (asparagine 543 retained).
Molecular consequence: synonymous variant.
Genome position (GRCh38, 1-based): chr2:156,325,912, A>G on the plus strand (T>C on the coding strand, the complement: NR4A2 is on the minus strand). VCF-style: chr2-156325912-A-G. GRCh37 (hg19) VCF-style: chr2-157182424-A-G.
Other names: c.1440T>C, p.Asn480= (NM_173173.3).
Identifiers: ClinVar variation 4821780 (VCV004821780.4).
Genomic context (GRCh38, chr2:156,325,912, plus strand): 5'-ACGAAGTTCTGGGAGCTTCCCCAACAGTTTGGACAAATAATTGGGGCGGTTCAACCCCCC[A>G]TTGTTGAAAGTCACGTGGTCTTTGAGACAATTTACAATCTTGTTTTGCAGTTCTTCCACT-3'
Protein context (NP_006177.1, residues 533-553): NCLKDHVTFN[Asn543=]GGLNRPNYLS

ClinVar aggregate classification (germline): Likely benign (1 of 4 stars; one submission).

gnomAD v4.1: 101 of 1,614,222 alleles (0.0063%); highest among the groups gnomAD compares: Non-Finnish European, 0.0085%; no homozygotes.

Submission:

CeGaT Center for Human Genetics Tuebingen
Classification: Likely benign. Last evaluated: 2026-01-01. Review status: criteria provided, single submitter. Criteria: CeGaT Center For Human Genetics Tuebingen Variant Classification Criteria Version 2. Collection method: clinical testing. Allele origin: germline. Affected: yes. Observed: 1 variant allele.
Comment: NR4A2: BP4, BP7